The following is an entry in ClinVar:

NM_001035.3(RYR2):c.2028A>G (p.Glu676=)

Gene: RYR2 (ryanodine receptor 2; plus strand). Cytogenetic location: 1q43.
Variant type: single nucleotide variant.
Coding change: c.2028A>G on transcript NM_001035.3 (MANE Select); coding-DNA position 2028, A replaced by G.
Protein change: p.Glu676=; no amino-acid change (glutamic acid 676 retained).
Molecular consequence: synonymous variant.
Genome position (GRCh38, 1-based): chr1:237,496,577, A>G. VCF-style: chr1-237496577-A-G. GRCh37 (hg19) VCF-style: chr1-237659877-A-G.
Other names: c.2028A>G (NM_001035.2).
Identifiers: ClinVar variation 2907998 (VCV002907998.4), dbSNP rs1170751682, ClinGen allele CA424030673.

ClinVar aggregate classification (germline): Likely benign. Review status: criteria provided, multiple submitters, no conflicts (2 of 4 stars). 2 submissions from 2 submitters: Likely benign (2). Last evaluated 2026-09-21.

Conditions:
Catecholaminergic polymorphic ventricular tachycardia 1. Also called: VENTRICULAR TACHYCARDIA, CATECHOLAMINERGIC POLYMORPHIC, 1, WITH OR WITHOUT ATRIAL DYSFUNCTION AND/OR DILATED CARDIOMYOPATHY; RYR2-Related Catecholaminergic Polymorphic Ventricular Tachycardia; VENTRICULAR TACHYCARDIA, STRESS-INDUCED POLYMORPHIC 1. Identifiers: Orphanet 3286, MedGen C1631597, MONDO:0011484, OMIM 604772.

Allele frequency attached by ClinVar (database versions not stated): gnomAD exomes below 0.00001.
gnomAD v4.1: 2 of 1,613,992 alleles (0.00012%); highest among the groups gnomAD compares: African/African-American, 0.0013%; no homozygotes.

Submissions (2):

Molecular Diagnostic Laboratory for Inherited Cardiovascular Disease, Montreal Heart Institute
Classification: Likely benign. Last evaluated: 2026-09-21. Review status: criteria provided, single submitter. Criteria: ACMG Guidelines, 2015. Collection method: clinical testing. Allele origin: germline. Affected: no.
Comment: PM2;BP7

Labcorp Genetics (formerly Invitae), Labcorp
Classification: Likely benign for Catecholaminergic polymorphic ventricular tachycardia 1. Last evaluated: 2023-07-09. Review status: criteria provided, single submitter. Criteria: Invitae Variant Classification Sherloc (09022015). Collection method: clinical testing. Allele origin: germline.